The following is an entry in ClinVar:

ClinVar aggregate classification (germline): Likely benign. Review status: criteria provided, multiple submitters, no conflicts (2 of 4 stars). 2 submissions from 2 submitters: Likely benign (2). Last evaluated 2025-01-28.

Conditions:
Gorlin syndrome. Also called: Nevoid Basal Cell Carcinoma Syndrome; Basal cell nevus syndrome. Identifiers: Orphanet 377, MedGen C0004779, MONDO:0007187.

Allele frequency attached by ClinVar (database versions not stated): ExAC 0.00004; TOPMed 0.00005; gnomAD 0.00006; ESP Exome Variant Server 0.00008; gnomAD exomes 0.00008 and 0.00014.
gnomAD v4.1: 213 of 1,614,074 alleles (0.013%); highest among the groups gnomAD compares: Non-Finnish European, 0.017%; no homozygotes.

Submissions (2):

Labcorp Genetics (formerly Invitae), Labcorp
Classification: Likely benign for Gorlin syndrome. Last evaluated: 2025-01-28. Review status: criteria provided, single submitter. Criteria: Invitae Variant Classification Sherloc (09022015). Collection method: clinical testing. Allele origin: germline.

CeGaT Center for Human Genetics Tuebingen
Classification: Likely benign. Last evaluated: 2025-01-01. Review status: criteria provided, single submitter. Criteria: CeGaT Center For Human Genetics Tuebingen Variant Classification Criteria Version 2. Collection method: clinical testing. Allele origin: germline. Affected: yes. Observed: 2 variant alleles.
Comment: PTCH2: BP4, BP7

NM_003738.5(PTCH2):c.1881T>C (p.Pro627=)

Gene: PTCH2 (patched 2; minus strand). Cytogenetic location: 1p34.1.
Variant type: single nucleotide variant.
Coding change: c.1881T>C on transcript NM_003738.5 (MANE Select); coding-DNA position 1881, T replaced by C.
Protein change: p.Pro627=; no amino-acid change (proline 627 retained).
Molecular consequence: synonymous variant.
Genome position (GRCh38, 1-based): chr1:44,828,020, A>G on the plus strand (T>C on the coding strand, the complement: PTCH2 is on the minus strand). VCF-style: chr1-44828020-A-G. GRCh37 (hg19) VCF-style: chr1-45293692-A-G.
Other names: c.1881T>C, p.Pro627= (NM_001166292.2).
Identifiers: ClinVar variation 453928 (VCV000453928.22), dbSNP rs138458854, ClinGen allele CA823153.